The following is an entry in ClinVar:

ClinVar aggregate classification (germline): Uncertain significance (1 of 4 stars; one submission).

Conditions:
Hereditary nonpolyposis colorectal neoplasms. Identifiers: MedGen C0009405, MeSH D003123.

Submission:

Labcorp Genetics (formerly Invitae), Labcorp
Classification: Uncertain significance for Hereditary nonpolyposis colorectal neoplasms. Last evaluated: 2021-01-19. Review status: criteria provided, single submitter. Criteria: Invitae Variant Classification Sherloc (09022015). Collection method: clinical testing. Allele origin: germline.
Comment: This sequence change replaces glutamic acid with glutamine at codon 980 of the MSH6 protein (p.Glu980Gln). The glutamic acid residue is highly conserved and there is a small physicochemical difference between glutamic acid and glutamine. This variant is not present in population databases (ExAC no frequency). This variant has not been reported in the literature in individuals with MSH6-related conditions. Advanced modeling of protein sequence and biophysical properties (such as structural, functional, and spatial information, amino acid conservation, physicochemical variation, residue mobility, and thermodynamic stability) performed at Invitae indicates that this missense variant is expected to disrupt MSH6 protein function. In summary, the available evidence is currently insufficient to determine the role of this variant in disease. Therefore, it has been classified as a Variant of Uncertain Significance.

NM_000179.3(MSH6):c.2938G>C (p.Glu980Gln)

Gene: MSH6 (mutS homolog 6; plus strand). Cytogenetic location: 2p16.3.
Variant type: single nucleotide variant.
Coding change: c.2938G>C on transcript NM_000179.3 (MANE Select); coding-DNA position 2938, G replaced by C.
Protein change: p.Glu980Gln; replaces glutamic acid 980 with glutamine.
Molecular consequence: missense variant.
Genome position (GRCh38, 1-based): chr2:47,800,921, G>C. VCF-style: chr2-47800921-G-C. GRCh37 (hg19) VCF-style: chr2-48028060-G-C.
Other names: c.2548G>C, p.Glu850Gln (NM_001281492.2); c.2032G>C, p.Glu678Gln (NM_001281493.2, NM_001281494.2); short protein forms E678Q, E850Q, E980Q.
Identifiers: ClinVar variation 1437207 (VCV001437207.8), dbSNP rs2104431856, ClinGen allele CA346756214.